The following is an entry in ClinVar:

NM_001367721.1(CASK):c.1806G>A (p.Ser602=)

Gene: CASK (calcium/calmodulin dependent serine protein kinase; minus strand). Cytogenetic location: Xp11.4.
Variant type: single nucleotide variant.
Coding change: c.1806G>A on transcript NM_001367721.1 (MANE Select); coding-DNA position 1806, G replaced by A.
Protein change: p.Ser602=; no amino-acid change (serine 602 retained).
Molecular consequence: synonymous variant. On other transcripts: intron variant (2).
Genome position (GRCh38, 1-based): chrX:41,557,032, C>T on the plus strand (G>A on the coding strand, the complement: CASK is on the minus strand). VCF-style: chrX-41557032-C-T. GRCh37 (hg19) VCF-style: chrX-41416285-C-T.
Other names: c.1788G>A, p.Ser596= (NM_001410745.1); c.1806G>A, p.Ser602= (NM_003688.4); c.1720-1397G>A (NM_001126055.3); c.1738-1397G>A (NM_001126054.3).
Identifiers: ClinVar variation 1970326 (VCV001970326.6), dbSNP rs780024880, ClinGen allele CA10390128.

ClinVar aggregate classification (germline): Uncertain significance (1 of 4 stars; one submission).

Conditions:
Intellectual disability, CASK-related, X-linked. Identifiers: MedGen CN043158.

Allele frequency attached by ClinVar (database versions not stated): gnomAD exomes below 0.00001; ExAC 0.00001.
gnomAD v4.1: 3 of 1,206,300 alleles (0.00025%); highest among the groups gnomAD compares: South Asian, 0.0018%; no homozygotes.

Submissions (2):

Labcorp Genetics (formerly Invitae), Labcorp
Classification: Uncertain significance for Intellectual disability, CASK-related, X-linked. Last evaluated: 2022-09-29. Review status: criteria provided, single submitter. Criteria: Invitae Variant Classification Sherloc (09022015). Collection method: clinical testing. Allele origin: germline.
Comment: This sequence change affects codon 602 of the CASK mRNA. It is a 'silent' change, meaning that it does not change the encoded amino acid sequence of the CASK protein. This variant also falls at the last nucleotide of exon 19, which is part of the consensus splice site for this exon. The frequency data for this variant in the population databases is considered unreliable, as metrics indicate poor data quality at this position in the gnomAD database. This variant has not been reported in the literature in individuals affected with CASK-related conditions. Variants that disrupt the consensus splice site are a relatively common cause of aberrant splicing (PMID: 17576681, 9536098). Algorithms developed to predict the effect of sequence changes on RNA splicing suggest that this variant may disrupt the consensus splice site. In summary, the available evidence is currently insufficient to determine the role of this variant in disease. Therefore, it has been classified as a Variant of Uncertain Significance.

Dr. Peter K. Rogan Lab, Western University
No classification provided (evidence only). Condition: Nonpapillary renal cell carcinoma. Review status: no classification provided. Collection method: in vitro. Allele origin: not applicable. Functional consequence: retained intron. Not counted in ClinVar's aggregate classification.

Literature cited by the submitters: PubMed 17576681 (cited by Labcorp Genetics (formerly Invitae), Labcorp); PubMed 9536098 (cited by Labcorp Genetics (formerly Invitae), Labcorp).